The following is an entry in ClinVar:

ClinVar aggregate classification (germline): Uncertain significance (1 of 4 stars; one submission).

Conditions:
Fanconi anemia (FA). Also called: Fanconi's anemia. Identifiers: Orphanet 84, MedGen C0015625, MeSH D005199, MONDO:0019391.

Submission:

Labcorp Genetics (formerly Invitae), Labcorp
Classification: Uncertain significance for Fanconi anemia. Last evaluated: 2022-01-27. Review status: criteria provided, single submitter. Criteria: Invitae Variant Classification Sherloc (09022015). Collection method: clinical testing. Allele origin: germline.
Comment: Algorithms developed to predict the effect of missense changes on protein structure and function are either unavailable or do not agree on the potential impact of this missense change (SIFT: "Tolerated"; PolyPhen-2: "Probably Damaging"; Align-GVGD: "Class C0"). This sequence change replaces serine, which is neutral and polar, with phenylalanine, which is neutral and non-polar, at codon 1045 of the FANCM protein (p.Ser1045Phe). This variant is not present in population databases (gnomAD no frequency). This variant has not been reported in the literature in individuals affected with FANCM-related conditions. In summary, the available evidence is currently insufficient to determine the role of this variant in disease. Therefore, it has been classified as a Variant of Uncertain Significance.

NM_020937.4(FANCM):c.3134C>T (p.Ser1045Phe)

Gene: FANCM (FA complementation group M; plus strand). Cytogenetic location: 14q21.2.
Variant type: single nucleotide variant.
Coding change: c.3134C>T on transcript NM_020937.4 (MANE Select); coding-DNA position 3134, C replaced by T.
Protein change: p.Ser1045Phe; replaces serine 1045 with phenylalanine.
Molecular consequence: missense variant.
Genome position (GRCh38, 1-based): chr14:45,175,888, C>T. VCF-style: chr14-45175888-C-T. GRCh37 (hg19) VCF-style: chr14-45645091-C-T.
Other names: c.3056C>T, p.Ser1019Phe (NM_001308133.2); short protein forms S1019F, S1045F.
Identifiers: ClinVar variation 2090582 (VCV002090582.4), dbSNP rs2139246253, ClinGen allele CA389599936.